The following is an entry in ClinVar:

NM_181741.4(ORC4):c.1162A>G (p.Met388Val)

Gene: ORC4 (origin recognition complex subunit 4; minus strand). Cytogenetic location: 2q23.1.
Variant type: single nucleotide variant.
Coding change: c.1162A>G on transcript NM_181741.4 (MANE Select); coding-DNA position 1162, A replaced by G.
Protein change: p.Met388Val; replaces methionine 388 with valine.
Molecular consequence: missense variant.
Genome position (GRCh38, 1-based): chr2:147,935,659, T>C on the plus strand (A>G on the coding strand, the complement: ORC4 is on the minus strand). VCF-style: chr2-147935659-T-C. GRCh37 (hg19) VCF-style: chr2-148693228-T-C.
Other names: c.940A>G, p.Met314Val (NM_001190882.3); c.1162A>G, p.Met388Val (NM_001374270.1, NM_002552.5, NM_181742.5 and 1 more transcripts); c.910A>G, p.Met304Val (NM_001374272.1, NM_001190881.3); short protein forms M314V, M388V, M304V.
Identifiers: ClinVar variation 1499145 (VCV001499145.8), dbSNP rs2105247386, ClinGen allele CA348709864.
Genomic context (GRCh38, chr2:147,935,659, plus strand): 5'-TATCCAAAAGCAGTTTCATCAGCTGGTACTCTCTCTGTGAATTTCCTGAAGTTCTTTCCA[T>C]GGGCTTTATTAATTCTAATTGCTGCAAGTGTTCAAAAGCCTGAAAGATGAAAGAAATAGT-3'
Protein context (NP_859525.1, residues 378-398): HLQQLELIKP[Met388Val]ERTSGNSQRE

ClinVar aggregate classification (germline): Uncertain significance (1 of 4 stars; one submission).

Allele frequency attached by ClinVar (database versions not stated): gnomAD exomes below 0.00001.
gnomAD v4.1: 3 of 1,613,396 alleles (0.00019%); highest among the groups gnomAD compares: Non-Finnish European, 0.00025%; no homozygotes.

Submission:

Labcorp Genetics (formerly Invitae), Labcorp
Classification: Uncertain significance. Last evaluated: 2022-01-26. Review status: criteria provided, single submitter. Criteria: Invitae Variant Classification Sherloc (09022015). Collection method: clinical testing. Allele origin: germline.
Comment: This sequence change replaces methionine, which is neutral and non-polar, with valine, which is neutral and non-polar, at codon 388 of the ORC4 protein (p.Met388Val). This variant is not present in population databases (gnomAD no frequency). In summary, the available evidence is currently insufficient to determine the role of this variant in disease. Therefore, it has been classified as a Variant of Uncertain Significance. Algorithms developed to predict the effect of missense changes on protein structure and function output the following: SIFT: "Tolerated"; PolyPhen-2: "Benign"; Align-GVGD: "Class C0". The valine amino acid residue is found in multiple mammalian species, which suggests that this missense change does not adversely affect protein function. This variant has not been reported in the literature in individuals affected with ORC4-related conditions.